The following is an entry in ClinVar:

NM_004304.5(ALK):c.1525G>C (p.Ala509Pro)

Gene: ALK (ALK receptor tyrosine kinase; minus strand). Cytogenetic location: 2p23.2.
Variant type: single nucleotide variant.
Coding change: c.1525G>C on transcript NM_004304.5 (MANE Select); coding-DNA position 1525, G replaced by C.
Protein change: p.Ala509Pro; replaces alanine 509 with proline.
Molecular consequence: missense variant.
Genome position (GRCh38, 1-based): chr2:29,320,772, C>G on the plus strand (G>C on the coding strand, the complement: ALK is on the minus strand). VCF-style: chr2-29320772-C-G. GRCh37 (hg19) VCF-style: chr2-29543638-C-G.
Other names: c.1525G>C (NM_004304.4); short protein forms A509P.
Identifiers: ClinVar variation 1039517 (VCV001039517.7), dbSNP rs772615782, ClinGen allele CA346472255.

ClinVar aggregate classification (germline): Uncertain significance. Review status: criteria provided, multiple submitters, no conflicts (2 of 4 stars). 2 submissions from 2 submitters: Uncertain significance (2). Last evaluated 2024-07-08.

Conditions:
Hereditary cancer-predisposing syndrome. Also called: Hereditary neoplastic syndrome; Neoplastic Syndromes, Hereditary; Tumor predisposition; Hereditary Cancer Syndrome. Identifiers: Orphanet 140162, MedGen C0027672, MeSH D009386, MONDO:0015356.
Neuroblastoma, susceptibility to, 3. Also called: ALK-Related Neuroblastic Tumor Susceptibility. Identifiers: Orphanet 635, MedGen C2751681, MONDO:0013083, OMIM 613014.

Allele frequency attached by ClinVar (database versions not stated): TOPMed below 0.00001.
gnomAD v4.1: 3 of 1,613,990 alleles (0.00019%); highest among the groups gnomAD compares: South Asian, 0.0033%; no homozygotes.

Submissions (2):

Labcorp Genetics (formerly Invitae), Labcorp
Classification: Uncertain significance for Neuroblastoma, susceptibility to, 3. Last evaluated: 2024-07-08. Review status: criteria provided, single submitter. Criteria: Invitae Variant Classification Sherloc (09022015). Collection method: clinical testing. Allele origin: germline.
Comment: This sequence change replaces alanine, which is neutral and non-polar, with proline, which is neutral and non-polar, at codon 509 of the ALK protein (p.Ala509Pro). This variant is present in population databases (no rsID available, gnomAD 0.003%). This variant has not been reported in the literature in individuals affected with ALK-related conditions. ClinVar contains an entry for this variant (Variation ID: 1039517). An algorithm developed to predict the effect of missense changes on protein structure and function (PolyPhen-2) suggests that this variant is likely to be disruptive. In summary, the available evidence is currently insufficient to determine the role of this variant in disease. Therefore, it has been classified as a Variant of Uncertain Significance.

Ambry Genetics
Classification: Uncertain significance for Hereditary cancer-predisposing syndrome. Last evaluated: 2023-09-27. Review status: criteria provided, single submitter. Criteria: Ambry Variant Classification Scheme 2023. Collection method: clinical testing. Allele origin: germline.
Comment: The p.A509P variant (also known as c.1525G>C), located in coding exon 7 of the ALK gene, results from a G to C substitution at nucleotide position 1525. The alanine at codon 509 is replaced by proline, an amino acid with highly similar properties. This amino acid position is conserved. In addition, this alteration is predicted to be tolerated by in silico analysis. Since supporting evidence is limited at this time, the clinical significance of this alteration remains unclear.